The following is an entry in ClinVar:

ClinVar aggregate classification (germline): Uncertain significance (1 of 4 stars; one submission).

Allele frequency attached by ClinVar (database versions not stated): TOPMed below 0.00001; gnomAD 0.00001.
gnomAD v4.1: 1 of 1,606,940 alleles (0.000062%); highest among the groups gnomAD compares: Non-Finnish European, 0.000085%; no homozygotes.

Submission:

Ambry Genetics
Classification: Uncertain significance. Last evaluated: 2022-04-09. Review status: criteria provided, single submitter. Criteria: Ambry Variant Classification Scheme 2023. Collection method: clinical testing. Allele origin: germline.
Comment: The p.G3647R variant (also known as c.10939G>A), located in coding exon 77 of the PRKDC gene, results from a G to A substitution at nucleotide position 10939. The glycine at codon 3647 is replaced by arginine, an amino acid with dissimilar properties. This amino acid position is conserved. In addition, this alteration is predicted to be tolerated by in silico analysis. Since supporting evidence is limited at this time, the clinical significance of this alteration remains unclear.

NM_006904.7(PRKDC):c.10939G>A (p.Gly3647Arg)

Gene: PRKDC (protein kinase, DNA-activated, catalytic subunit; minus strand). Cytogenetic location: 8q11.21.
Variant type: single nucleotide variant.
Coding change: c.10939G>A on transcript NM_006904.7 (MANE Select); coding-DNA position 10939, G replaced by A.
Protein change: p.Gly3647Arg; replaces glycine 3647 with arginine.
Molecular consequence: missense variant.
Genome position (GRCh38, 1-based): chr8:47,785,281, C>T on the plus strand (G>A on the coding strand, the complement: PRKDC is on the minus strand). VCF-style: chr8-47785281-C-T. GRCh37 (hg19) VCF-style: chr8-48697842-C-T.
Other names: c.10939G>A, p.Gly3647Arg (NM_001081640.2); short protein forms G3647R.
Identifiers: ClinVar variation 1789864 (VCV001789864.2), dbSNP rs2086772624, ClinGen allele CA371131360.